The following is an entry in ClinVar:

NM_004656.4(BAP1):c.1180T>C (p.Tyr394His)

Gene: BAP1 (BRCA1 associated deubiquitinase 1; minus strand). Cytogenetic location: 3p21.1.
Variant type: single nucleotide variant.
Coding change: c.1180T>C on transcript NM_004656.4 (MANE Select); coding-DNA position 1180, T replaced by C.
Protein change: p.Tyr394His; replaces tyrosine 394 with histidine.
Molecular consequence: missense variant.
Genome position (GRCh38, 1-based): chr3:52,404,523, A>G on the plus strand (T>C on the coding strand, the complement: BAP1 is on the minus strand). VCF-style: chr3-52404523-A-G. GRCh37 (hg19) VCF-style: chr3-52438539-A-G.
Other names: c.1180T>C (NM_004656.2); short protein forms Y394H.
Identifiers: ClinVar variation 412419 (VCV000412419.6), dbSNP rs1060503737, ClinGen allele CA16611340.

ClinVar aggregate classification (germline): Conflicting classifications of pathogenicity. Review status: criteria provided, conflicting classifications (1 of 4 stars). 2 submissions from 2 submitters: Uncertain significance (1); Likely benign (1). Last evaluated 2025-03-03.

Conditions:
Hereditary cancer-predisposing syndrome. Also called: Neoplastic Syndromes, Hereditary; Tumor predisposition; Hereditary Cancer Syndrome; Hereditary neoplastic syndrome. Identifiers: Orphanet 140162, MedGen C0027672, MeSH D009386, MONDO:0015356.
BAP1-related tumor predisposition syndrome (TPDS1). Also called: BAP1 tumor predisposition syndrome; Tumor susceptibility linked to germline BAP1 mutations; TUMOR PREDISPOSITION SYNDROME 1; COMMON Syndrome. Identifiers: Orphanet 289539, MedGen C3280492, MONDO:0013692, OMIM 614327.

Submissions (2):

Ambry Genetics
Classification: Likely benign for Hereditary cancer-predisposing syndrome. Last evaluated: 2025-03-03. Review status: criteria provided, single submitter. Criteria: Ambry Variant Classification Scheme 2023. Collection method: clinical testing. Allele origin: germline.

Labcorp Genetics (formerly Invitae), Labcorp
Classification: Uncertain significance for BAP1-related tumor predisposition syndrome. Last evaluated: 2025-01-06. Review status: criteria provided, single submitter. Criteria: Invitae Variant Classification Sherloc (09022015). Collection method: clinical testing. Allele origin: germline.
Comment: This sequence change replaces tyrosine, which is neutral and polar, with histidine, which is basic and polar, at codon 394 of the BAP1 protein (p.Tyr394His). This variant is not present in population databases (gnomAD no frequency). This variant has not been reported in the literature in individuals affected with BAP1-related conditions. ClinVar contains an entry for this variant (Variation ID: 412419). Invitae Evidence Modeling of protein sequence and biophysical properties (such as structural, functional, and spatial information, amino acid conservation, physicochemical variation, residue mobility, and thermodynamic stability) indicates that this missense variant is not expected to disrupt BAP1 protein function with a negative predictive value of 80%. In summary, the available evidence is currently insufficient to determine the role of this variant in disease. Therefore, it has been classified as a Variant of Uncertain Significance.